The following is an entry in ClinVar:

NM_007194.4(CHEK2):c.1281C>T (p.Phe427=)

Gene: CHEK2 (checkpoint kinase 2; minus strand). Cytogenetic location: 22q12.1.
Variant type: single nucleotide variant.
Coding change: c.1281C>T on transcript NM_007194.4 (MANE Select); coding-DNA position 1281, C replaced by T.
Protein change: p.Phe427=; no amino-acid change (phenylalanine 427 retained).
Molecular consequence: synonymous variant.
Genome position (GRCh38, 1-based): chr22:28,695,221, G>A on the plus strand (C>T on the coding strand, the complement: CHEK2 is on the minus strand). VCF-style: chr22-28695221-G-A. GRCh37 (hg19) VCF-style: chr22-29091209-G-A.
Other names: c.1410C>T, p.Phe470= (NM_001005735.3); c.618C>T, p.Phe206= (NM_001257387.3); c.1080C>T, p.Phe360= (NM_001349956.3); c.1194C>T, p.Phe398= (NM_145862.3).
Identifiers: ClinVar variation 3773608 (VCV003773608.2).

ClinVar aggregate classification (germline): Benign/Likely benign. Review status: criteria provided, multiple submitters, no conflicts (2 of 4 stars). 2 submissions from 2 submitters: Benign (1); Likely benign (1). Last evaluated 2025-09-22.

Conditions:
Familial cancer of breast. Also called: Hereditary breast cancer; BREAST CANCER, FAMILIAL; hereditary breast carcinoma. Identifiers: Orphanet 227535, MedGen C0346153, MONDO:0016419, OMIM 114480. Disease mechanism: loss of function.

Submissions (2):

Labcorp Genetics (formerly Invitae), Labcorp
Classification: Likely benign for Familial cancer of breast. Last evaluated: 2025-09-22. Review status: criteria provided, single submitter. Criteria: Invitae Variant Classification Sherloc (09022015). Collection method: clinical testing. Allele origin: germline.

Myriad Genetics, Inc.
Classification: Benign for Familial cancer of breast. Last evaluated: 2024-10-07. Review status: criteria provided, single submitter. Criteria: Myriad Autosomal Dominant, Autosomal Recessive and X-Linked Classification Criteria (2023). Collection method: clinical testing. Allele origin: unknown.
Comment: This variant is considered benign. This variant is a silent/synonymous amino acid change and it is not expected to impact splicing.